The following is an entry in ClinVar:

NM_000466.3(PEX1):c.147G>A (p.Val49=)

Gene: PEX1 (peroxisomal biogenesis factor 1; minus strand). Cytogenetic location: 7q21.2.
Variant type: single nucleotide variant.
Coding change: c.147G>A on transcript NM_000466.3 (MANE Select); coding-DNA position 147, G replaced by A.
Protein change: p.Val49=; no amino-acid change (valine 49 retained).
Molecular consequence: synonymous variant. On other transcripts: 5 prime UTR variant (1).
Genome position (GRCh38, 1-based): chr7:92,522,228, C>T on the plus strand (G>A on the coding strand, the complement: PEX1 is on the minus strand). VCF-style: chr7-92522228-C-T. GRCh37 (hg19) VCF-style: chr7-92151542-C-T.
Other names: c.147G>A, p.Val49= (NM_001282677.2); c.-513G>A (NM_001282678.2).
Identifiers: ClinVar variation 729928 (VCV000729928.23), dbSNP rs202230667, ClinGen allele CA4341673.

ClinVar aggregate classification (germline): Conflicting classifications of pathogenicity. Review status: criteria provided, conflicting classifications (1 of 4 stars). 10 submissions from 8 submitters: Uncertain significance (4); Likely benign (2). 4 of the submissions do not count toward it. Last evaluated 2026-01-05.

Conditions:
PEX1-related disorder. Also called: PEX1-related condition.
Peroxisome biogenesis disorder 1B (PBD1B). Also called: PEROXISOME BIOGENESIS DISORDER (NEONATAL ADRENOLEUKODYSTROPHY/INFANTILE REFSUM DISEASE); INFANTILE PHYTANIC ACID STORAGE DISEASE; Refsum disease, infantile form; Infantile Refsum disease; Infantile form of phytanic acid storage disease; PEROXISOME BIOGENESIS DISORDER (NALD/IRD). Identifiers: Orphanet 44, MedGen C0282527, MONDO:0011101, OMIM 601539.
Heimler syndrome 1 (HMLR1). Also called: PEROXISOME BIOGENESIS DISORDER 1C. Identifiers: Orphanet 3220, MedGen C4551980, OMIM 234580, MONDO:0024544.
Zellweger spectrum disorders (ZS). Also called: Zellweger Spectrum Disorder (ZSD); Zellweger Spectrum Disorder; Zellweger Spectrum; Zellweger syndrome. Identifiers: Orphanet 912, MedGen C0043459, MONDO:0019609.
Peroxisome biogenesis disorder 1A (Zellweger) (PBD1A). Also called: Peroxisome biogenesis disorder 1a; Zellweger leukodystrophy. Identifiers: MedGen C4721541, MONDO:0008953, OMIM 214100.

Allele frequency attached by ClinVar (database versions not stated): ExAC 0.00004; gnomAD exomes 0.00004 and 0.00006; gnomAD 0.00005; TOPMed 0.00006.
gnomAD v4.1: 114 of 1,614,052 alleles (0.0071%); highest among the groups gnomAD compares: Middle Eastern, 0.066%; no homozygotes.

Submissions (10):

Labcorp Genetics (formerly Invitae), Labcorp
Classification: Likely benign for Zellweger spectrum disorders. Last evaluated: 2026-01-05. Review status: criteria provided, single submitter. Criteria: Invitae Variant Classification Sherloc (09022015). Collection method: clinical testing. Allele origin: germline.

Blueprint Genetics
Classification: Likely benign. Last evaluated: 2024-10-09. Review status: criteria provided, single submitter. Criteria: ACMG Guidelines, 2015. Collection method: clinical testing. Allele origin: germline.

Genome-Nilou Lab
Classification: Uncertain significance for Heimler syndrome 1. Last evaluated: 2021-07-14. Review status: criteria provided, single submitter. Criteria: ACMG Guidelines, 2015. Collection method: clinical testing. Allele origin: germline. Affected: no.

Genome-Nilou Lab
Classification: Uncertain significance for Peroxisome biogenesis disorder 1A (Zellweger). Last evaluated: 2021-07-14. Review status: criteria provided, single submitter. Criteria: ACMG Guidelines, 2015. Collection method: clinical testing. Allele origin: germline. Affected: no.

Genome-Nilou Lab
Classification: Uncertain significance for Peroxisome biogenesis disorder 1B. Last evaluated: 2021-07-14. Review status: criteria provided, single submitter. Criteria: ACMG Guidelines, 2015. Collection method: clinical testing. Allele origin: germline. Affected: no.

Illumina Laboratory Services, Illumina
Classification: Uncertain significance for Peroxisome biogenesis disorder 1A (Zellweger). Last evaluated: 2017-04-28. Review status: criteria provided, single submitter. Criteria: ICSL Variant Classification Criteria 13 December 2019. Collection method: clinical testing. Allele origin: germline.

PreventionGenetics, part of Exact Sciences
Classification: Likely benign for PEX1-related condition. Last evaluated: 2021-06-30. Review status: no assertion criteria provided. Collection method: clinical testing. Allele origin: germline. Not counted in ClinVar's aggregate classification.
Comment: This variant is classified as likely benign based on ACMG/AMP sequence variant interpretation guidelines (Richards et al. 2015 PMID: 25741868, with internal and published modifications).

Natera, Inc.
Classification: Uncertain significance for Zellweger syndrome. Last evaluated: 2018-06-22. Review status: no assertion criteria provided. Collection method: clinical testing. Allele origin: germline. Not counted in ClinVar's aggregate classification.

Clinical Genetics DNA and cytogenetics Diagnostics Lab, Erasmus MC, Erasmus Medical Center
Classification: Likely benign. Review status: no assertion criteria provided. Collection method: clinical testing. Allele origin: germline. Affected: yes. Study: VKGL Data-share Consensus. Not counted in ClinVar's aggregate classification.

Clinical Genetics, Academic Medical Center
Classification: Likely benign. Review status: no assertion criteria provided. Collection method: clinical testing. Allele origin: germline. Affected: yes. Study: VKGL Data-share Consensus. Not counted in ClinVar's aggregate classification.